The following is an entry in ClinVar:

NM_015158.5(KANK1):c.3932C>T (p.Ala1311Val)

Gene: KANK1 (KN motif and ankyrin repeat domains 1; plus strand). Cytogenetic location: 9p24.3.
Variant type: single nucleotide variant.
Coding change: c.3932C>T on transcript NM_015158.5 (MANE Select); coding-DNA position 3932, C replaced by T.
Protein change: p.Ala1311Val; replaces alanine 1311 with valine.
Molecular consequence: missense variant. On other transcripts: non-coding transcript variant (1).
Genome position (GRCh38, 1-based): chr9:744,525, C>T. VCF-style: chr9-744525-C-T. GRCh37 (hg19) VCF-style: chr9-744525-C-T.
Other names: c.3932C>T, p.Ala1311Val (NM_001256876.3, NM_001256877.3, NM_001354334.2); c.3692C>T, p.Ala1231Val (NM_001354331.2); c.3878C>T, p.Ala1293Val (NM_001354332.2); c.3458C>T, p.Ala1153Val (NM_001354333.2, NM_001354335.2, NM_001354337.2 and 2 more transcripts); c.3164C>T, p.Ala1055Val (NM_001354336.2); c.3404C>T, p.Ala1135Val (NM_001354338.2, NM_001354340.2, NM_001354344.2); c.3218C>T, p.Ala1073Val (NM_001354339.2, NM_001354342.2, NM_001354343.2); short protein forms A1055V, A1153V, A1293V, A1073V, A1135V, A1231V, A1311V.
Identifiers: ClinVar variation 2789099 (VCV002789099.3), dbSNP rs1564147541, ClinGen allele CA372763619.

ClinVar aggregate classification (germline): Uncertain significance (1 of 4 stars; one submission).

Allele frequency attached by ClinVar (database versions not stated): TOPMed below 0.00001; gnomAD 0.00001.
gnomAD v4.1: 2 of 1,614,016 alleles (0.00012%); highest among the groups gnomAD compares: Admixed American, 0.0017%; no homozygotes.

Submission:

Labcorp Genetics (formerly Invitae), Labcorp
Classification: Uncertain significance. Last evaluated: 2024-09-05. Review status: criteria provided, single submitter. Criteria: Invitae Variant Classification Sherloc (09022015). Collection method: clinical testing. Allele origin: germline.
Comment: This sequence change replaces alanine, which is neutral and non-polar, with valine, which is neutral and non-polar, at codon 1311 of the KANK1 protein (p.Ala1311Val). This variant is not present in population databases (gnomAD no frequency). This variant has not been reported in the literature in individuals affected with KANK1-related conditions. An algorithm developed to predict the effect of missense changes on protein structure and function (PolyPhen-2) suggests that this variant is likely to be disruptive. In summary, the available evidence is currently insufficient to determine the role of this variant in disease. Therefore, it has been classified as a Variant of Uncertain Significance.